The following is an entry in ClinVar:

ClinVar aggregate classification (germline): Uncertain significance. Review status: criteria provided, multiple submitters, no conflicts (2 of 4 stars). 2 submissions from 2 submitters: Uncertain significance (2). Last evaluated 2024-11-07.

Conditions:
Inborn genetic diseases. Identifiers: MedGen C0950123, MeSH D030342.

Allele frequency attached by ClinVar (database versions not stated): TOPMed below 0.00001; gnomAD 0.00001; gnomAD exomes 0.00001.
gnomAD v4.1: 10 of 1,613,948 alleles (0.00062%); highest among the groups gnomAD compares: Non-Finnish European, 0.00085%; no homozygotes.

Submissions (2):

Ambry Genetics
Classification: Uncertain significance for Inborn genetic diseases. Last evaluated: 2024-11-07. Review status: criteria provided, single submitter. Criteria: Ambry Variant Classification Scheme 2023. Collection method: clinical testing. Allele origin: germline.

Labcorp Genetics (formerly Invitae), Labcorp
Classification: Uncertain significance. Last evaluated: 2022-07-30. Review status: criteria provided, single submitter. Criteria: Invitae Variant Classification Sherloc (09022015). Collection method: clinical testing. Allele origin: germline.
Comment: This variant has not been reported in the literature in individuals affected with MYH3-related conditions. In summary, the available evidence is currently insufficient to determine the role of this variant in disease. Therefore, it has been classified as a Variant of Uncertain Significance. Algorithms developed to predict the effect of missense changes on protein structure and function (SIFT, PolyPhen-2, Align-GVGD) all suggest that this variant is likely to be disruptive. This variant is present in population databases (no rsID available, gnomAD 0.0009%). This sequence change replaces arginine, which is basic and polar, with cysteine, which is neutral and slightly polar, at codon 1677 of the MYH3 protein (p.Arg1677Cys).

NM_002470.4(MYH3):c.5029C>T (p.Arg1677Cys)

Gene: MYH3 (myosin heavy chain 3; minus strand). Cytogenetic location: 17p13.1.
Variant type: single nucleotide variant.
Coding change: c.5029C>T on transcript NM_002470.4 (MANE Select); coding-DNA position 5029, C replaced by T.
Protein change: p.Arg1677Cys; replaces arginine 1677 with cysteine.
Molecular consequence: missense variant.
Genome position (GRCh38, 1-based): chr17:10,631,944, G>A on the plus strand (C>T on the coding strand, the complement: MYH3 is on the minus strand). VCF-style: chr17-10631944-G-A. GRCh37 (hg19) VCF-style: chr17-10535261-G-A.
Other names: c.5029C>T (NM_002470.3); short protein forms R1677C.
Identifiers: ClinVar variation 2085115 (VCV002085115.5), dbSNP rs1468242867, ClinGen allele CA398135515.